The following is an entry in ClinVar:

NM_001128922.2(LRRC32):c.497G>A (p.Arg166His)

Genes: LRRC32 (leucine rich repeat containing 32; minus strand), LRRC32-AS1 (LRRC32 antisense RNA 1; plus strand). Cytogenetic location: 11q13.5.
Variant type: single nucleotide variant.
Coding change: c.497G>A on transcript NM_001128922.2 (MANE Select); coding-DNA position 497, G replaced by A.
Protein change: p.Arg166His; replaces arginine 166 with histidine.
Molecular consequence: missense variant. On other transcripts: non-coding transcript variant (1), intron variant (1).
Genome position (GRCh38, 1-based): chr11:76,661,096, C>T on the plus strand (G>A on the coding strand, the complement: LRRC32 is on the minus strand). VCF-style: chr11-76661096-C-T. GRCh37 (hg19) VCF-style: chr11-76372140-C-T.
Other names: c.497G>A, p.Arg166His (NM_001370187.1, NM_001370188.1, NM_005512.3); c.431G>A, p.Arg144His (NM_001370189.1); c.167G>A, p.Arg56His (NM_001370190.1); c.85-3062G>A (NM_001370191.1); short protein forms R144H, R166H, R56H.
Identifiers: ClinVar variation 3053950 (VCV003053950.3), dbSNP rs1471143455, ClinGen allele CA381922475.

ClinVar aggregate classification (germline): Uncertain significance. Review status: criteria provided, single submitter (1 of 4 stars). 2 submissions from 2 submitters: Uncertain significance (1). 1 of the submissions does not count toward it. Last evaluated 2025-11-05.

Conditions:
LRRC32-related disorder. Also called: LRRC32-related condition.

Allele frequency attached by ClinVar (database versions not stated): TOPMed 0.00002; gnomAD 0.00003.
gnomAD v4.1: 22 of 1,613,922 alleles (0.0014%); highest among the groups gnomAD compares: East Asian, 0.0022%; no homozygotes.

Submissions (2):

Ambry Genetics
Classification: Uncertain significance. Last evaluated: 2025-11-05. Review status: criteria provided, single submitter. Criteria: Ambry Variant Classification Scheme 2023. Collection method: clinical testing. Allele origin: germline.

PreventionGenetics, part of Exact Sciences
Classification: Uncertain significance for LRRC32-related condition. Last evaluated: 2023-11-06. Review status: no assertion criteria provided. Collection method: clinical testing. Allele origin: germline. Not counted in ClinVar's aggregate classification.
Comment: The LRRC32 c.497G>A variant is predicted to result in the amino acid substitution p.Arg166His. To our knowledge, this variant has not been reported in the literature. This variant is reported in 0.0050% of alleles in individuals of East Asian descent in gnomAD. At this time, the clinical significance of this variant is uncertain due to the absence of conclusive functional and genetic evidence.